The following is an entry in ClinVar:

ClinVar aggregate classification (germline): Likely pathogenic (1 of 4 stars; one submission).

Conditions:
Incontinentia pigmenti syndrome (IP). Also called: INCONTINENTIA PIGMENTI, FAMILIAL MALE-LETHAL TYPE; INCONTINENTIA PIGMENTI, TYPE II; BLOCH-SULZBERGER SYNDROME; Incontinentia Pigmenti. Identifiers: Orphanet 464, MedGen C0021171, MONDO:0010631, OMIM 308300.

Submission:

3billion
Classification: Likely pathogenic for Incontinentia pigmenti syndrome. Last evaluated: 2024-06-28. Review status: criteria provided, single submitter. Criteria: ACMG Guidelines, 2015. Collection method: clinical testing. Allele origin: germline. Affected: yes.
Comment: The variant is not observed in the gnomAD v4.0.0 dataset. Predicted Consequence/Location: Stop-gained (nonsense): predicted to result in a loss or disruption of normal protein function through nonsense-mediated decay (NMD) or protein truncation. Multiple pathogenic variants are reported downstream of the variant. Therefore, this variant is classified as Likely pathogenic according to the recommendation of ACMG/AMP guideline.

NM_001099857.5(IKBKG):c.574C>T (p.Gln192Ter)

Gene: IKBKG (inhibitor of nuclear factor kappa B kinase regulatory subunit gamma; plus strand). Cytogenetic location: Xq28.
Variant type: single nucleotide variant.
Coding change: c.574C>T on transcript NM_001099857.5 (MANE Select); coding-DNA position 574, C replaced by T.
Protein change: p.Gln192Ter; replaces glutamine 192 with a stop codon.
Molecular consequence: nonsense. On other transcripts: intron variant (3).
Genome position (GRCh38, 1-based): chrX:154,560,462, C>T. VCF-style: chrX-154560462-C-T. GRCh37 (hg19) VCF-style: chrX-153788677-C-T.
Other names: c.778C>T, p.Gln260Ter (NM_001099856.6); c.574C>T, p.Gln192Ter (NM_001321396.3, NM_001377312.1, NM_003639.4); c.571C>T, p.Gln191Ter (NM_001321397.3, NM_001377313.1); c.519-1226C>T (NM_001145255.4); c.516-1226C>T (NM_001377314.1); c.400-2348C>T (NM_001377315.1); short protein forms Q191*, Q192*, Q260*.
Identifiers: ClinVar variation 4293339 (VCV004293339.1).